The following is an entry in ClinVar:

ClinVar aggregate classification (germline): Likely benign. Review status: criteria provided, multiple submitters, no conflicts (2 of 4 stars). 3 submissions from 3 submitters: Likely benign (3). Last evaluated 2026-01-12.

Conditions:
Ehlers-Danlos syndrome, type 4 (EDSVASC). Also called: Ehlers-Danlos syndrome vascular type; Ehlers Danlos syndrome, ecchymotic type; Ehlers Danlos syndrome, arterial type; Ehlers Danlos syndrome, Sack-Barabas type; Ehlers-Danlos Syndrome Type IV. Identifiers: Orphanet 286, MedGen C0268338, MONDO:0017314, OMIM 130050.

Allele frequency attached by ClinVar (database versions not stated): gnomAD exomes 0.00001 and 0.00002; TOPMed 0.00001; ExAC 0.00002.
gnomAD v4.1: 8 of 1,608,874 alleles (0.0005%); highest among the groups gnomAD compares: Admixed American, 0.01%; no homozygotes.

Submissions (3):

Labcorp Genetics (formerly Invitae), Labcorp
Classification: Likely benign for Ehlers-Danlos syndrome, type 4. Last evaluated: 2026-01-12. Review status: criteria provided, single submitter. Criteria: Invitae Variant Classification Sherloc (09022015). Collection method: clinical testing. Allele origin: germline.

Women's Health and Genetics/Laboratory Corporation of America, LabCorp
Classification: Likely benign. Last evaluated: 2023-02-20. Review status: criteria provided, single submitter. Criteria: LabCorp Variant Classification Summary - May 2015. Collection method: clinical testing. Allele origin: germline.
Comment: Variant summary: COL3A1 c.582+12C>T alters a non-conserved nucleotide located close to a canonical splice site and therefore could affect mRNA splicing, leading to a significantly altered protein sequence. 4/4 computational tools predict no significant impact on normal splicing. However, these predictions have yet to be confirmed by functional studies. The variant allele was found at a frequency of 2.4e-05 in 250804 control chromosomes. The available data on variant occurrences in the general population are insufficient to allow any conclusion about variant significance. To our knowledge, no occurrence of c.582+12C>T in individuals affected with Ehlers-Danlos Syndrome, Vascular Type and no experimental evidence demonstrating its impact on protein function have been reported. One clinical diagnostic laboratory has submitted clinical-significance assessments for this variant to ClinVar after 2014 without evidence for independent evaluation and classified the variant as likely benign. Based on the evidence outlined above, the variant was classified as likely benign.

PreventionGenetics, part of Exact Sciences
Classification: Likely benign. Review status: criteria provided, single submitter. Criteria: ACMG Guidelines, 2015. Collection method: clinical testing. Allele origin: germline.

NM_000090.4(COL3A1):c.582+12C>T

Gene: COL3A1 (collagen type III alpha 1 chain; plus strand). Cytogenetic location: 2q32.2.
Variant type: single nucleotide variant.
Coding change: c.582+12C>T on transcript NM_000090.4 (MANE Select); 12 bases into the intron after coding-DNA position 582, C replaced by T.
Molecular consequence: intron variant.
Genome position (GRCh38, 1-based): chr2:188,988,146, C>T. VCF-style: chr2-188988146-C-T. GRCh37 (hg19) VCF-style: chr2-189852872-C-T.
Identifiers: ClinVar variation 254972 (VCV000254972.10), dbSNP rs41272799, ClinGen allele CA076711.